The following is an entry in ClinVar:

ClinVar aggregate classification (germline): Uncertain significance (1 of 4 stars; one submission).

Conditions:
Fanconi anemia (FA). Also called: Fanconi's anemia. Identifiers: Orphanet 84, MedGen C0015625, MeSH D005199, MONDO:0019391.

Submission:

Labcorp Genetics (formerly Invitae), Labcorp
Classification: Uncertain significance for Fanconi anemia. Last evaluated: 2024-08-21. Review status: criteria provided, single submitter. Criteria: Invitae Variant Classification Sherloc (09022015). Collection method: clinical testing. Allele origin: germline.
Comment: This sequence change replaces threonine, which is neutral and polar, with serine, which is neutral and polar, at codon 1283 of the FANCI protein (p.Thr1283Ser). This variant is not present in population databases (gnomAD no frequency). This variant has not been reported in the literature in individuals affected with FANCI-related conditions. ClinVar contains an entry for this variant (Variation ID: 1399746). An algorithm developed to predict the effect of missense changes on protein structure and function (PolyPhen-2) suggests that this variant is likely to be disruptive. In summary, the available evidence is currently insufficient to determine the role of this variant in disease. Therefore, it has been classified as a Variant of Uncertain Significance.

NM_001113378.2(FANCI):c.3848C>G (p.Thr1283Ser)

Gene: FANCI (FA complementation group I; plus strand). Cytogenetic location: 15q26.1.
Variant type: single nucleotide variant.
Coding change: c.3848C>G on transcript NM_001113378.2 (MANE Select); coding-DNA position 3848, C replaced by G.
Protein change: p.Thr1283Ser; replaces threonine 1283 with serine.
Molecular consequence: missense variant.
Genome position (GRCh38, 1-based): chr15:89,315,313, C>G. VCF-style: chr15-89315313-C-G. GRCh37 (hg19) VCF-style: chr15-89858544-C-G.
Other names: c.3569C>G, p.Thr1190Ser (NM_001376910.1); c.3848C>G, p.Thr1283Ser (NM_001376911.1); c.3668C>G, p.Thr1223Ser (NM_018193.3); short protein forms T1283S, T1190S, T1223S.
Identifiers: ClinVar variation 1399746 (VCV001399746.8), dbSNP rs2055184928, ClinGen allele CA393744656.